The following is an entry in ClinVar:

ClinVar aggregate classification (germline): Uncertain significance (1 of 4 stars; one submission).

Conditions:
Peripheral neuropathy-myopathy-hoarseness-hearing loss syndrome. Identifiers: Orphanet 397744, MedGen C3280556, MONDO:0013711, OMIM 614369.

Submission:

Neuberg Centre For Genomic Medicine, NCGM
Classification: Uncertain significance for Peripheral neuropathy-myopathy-hoarseness-hearing loss syndrome. Last evaluated: 2023-06-22. Review status: criteria provided, single submitter. Criteria: ACMG Guidelines, 2015. Collection method: clinical testing. Allele origin: germline. Inheritance: Autosomal dominant inheritance. Affected: yes.
Comment: The observed invariant splice acceptor c.3296-1G>C variant in MYH14 gene has not been reported previously as a pathogenic variant nor as a benign variant, to our knowledge. The c.3296-1G>C variant is absent in gnomAD Exomes. This variant has not been submitted to the ClinVar database. Loss of function variants have been previously reported to be disease causing. However, loss of function in MYH14 is not a known mechanism of disease, hence additional functional studies will be required to prove the pathogenicity of this variant. For these reasons, this variant has been classified as a Variant of Uncertain Significance (VUS).

NM_001145809.2(MYH14):c.3296-1G>C

Gene: MYH14 (myosin heavy chain 14; plus strand). Cytogenetic location: 19q13.33.
Variant type: single nucleotide variant.
Coding change: c.3296-1G>C on transcript NM_001145809.2 (MANE Select); the canonical splice acceptor site of the intron before coding-DNA position 3296, G replaced by C.
Molecular consequence: splice acceptor variant.
Genome position (GRCh38, 1-based): chr19:50,272,559, G>C. VCF-style: chr19-50272559-G-C. GRCh37 (hg19) VCF-style: chr19-50775816-G-C.
Other names: c.3197-1G>C (NM_001077186.2); c.3173-1G>C (NM_024729.4).
Identifiers: ClinVar variation 3377679 (VCV003377679.1).